The following is an entry in ClinVar:

NM_001018113.3(FANCB):c.1826G>A (p.Cys609Tyr)

Gene: FANCB (FA complementation group B; minus strand). Cytogenetic location: Xp22.2.
Variant type: single nucleotide variant.
Coding change: c.1826G>A on transcript NM_001018113.3 (MANE Select); coding-DNA position 1826, G replaced by A.
Protein change: p.Cys609Tyr; replaces cysteine 609 with tyrosine.
Molecular consequence: missense variant.
Genome position (GRCh38, 1-based): chrX:14,844,957, C>T on the plus strand (G>A on the coding strand, the complement: FANCB is on the minus strand). VCF-style: chrX-14844957-C-T. GRCh37 (hg19) VCF-style: chrX-14863079-C-T.
Other names: c.1826G>A, p.Cys609Tyr (NM_152633.4, NM_001324162.2, NM_001410764.1); short protein forms C609Y.
Identifiers: ClinVar variation 2702638 (VCV002702638.3), dbSNP rs2518952817, ClinGen allele CA412439538.

ClinVar aggregate classification (germline): Uncertain significance (1 of 4 stars; one submission).

Conditions:
Fanconi anemia (FA). Also called: Fanconi's anemia. Identifiers: Orphanet 84, MedGen C0015625, MeSH D005199, MONDO:0019391.

Submission:

Labcorp Genetics (formerly Invitae), Labcorp
Classification: Uncertain significance for Fanconi anemia. Last evaluated: 2024-05-21. Review status: criteria provided, single submitter. Criteria: Invitae Variant Classification Sherloc (09022015). Collection method: clinical testing. Allele origin: germline.
Comment: This sequence change replaces cysteine, which is neutral and slightly polar, with tyrosine, which is neutral and polar, at codon 609 of the FANCB protein (p.Cys609Tyr). This variant is not present in population databases (gnomAD no frequency). This variant has not been reported in the literature in individuals affected with FANCB-related conditions. Advanced modeling of protein sequence and biophysical properties (such as structural, functional, and spatial information, amino acid conservation, physicochemical variation, residue mobility, and thermodynamic stability) performed at Invitae indicates that this missense variant is not expected to disrupt FANCB protein function with a negative predictive value of 80%. In summary, the available evidence is currently insufficient to determine the role of this variant in disease. Therefore, it has been classified as a Variant of Uncertain Significance.